The following is an entry in ClinVar:

ClinVar aggregate classification (germline): Uncertain significance (1 of 4 stars; one submission).

Conditions:
Combined immunodeficiency due to ZAP70 deficiency (IMD48). Also called: Immunodeficiency 48; ZAP70 Deficiency. Identifiers: Orphanet 911, MedGen C2931299, MONDO:0010023, OMIM 269840.

Allele frequency attached by ClinVar (database versions not stated): TOPMed 0.00003.
gnomAD v4.1: 24 of 1,614,038 alleles (0.0015%); highest among the groups gnomAD compares: Middle Eastern, 0.016%; no homozygotes.

Submission:

Labcorp Genetics (formerly Invitae), Labcorp
Classification: Uncertain significance for Combined immunodeficiency due to ZAP70 deficiency. Last evaluated: 2022-05-20. Review status: criteria provided, single submitter. Criteria: Invitae Variant Classification Sherloc (09022015). Collection method: clinical testing. Allele origin: germline.
Comment: This sequence change replaces serine, which is neutral and polar, with arginine, which is basic and polar, at codon 313 of the ZAP70 protein (p.Ser313Arg). This variant is present in population databases (rs145218891, gnomAD 0.004%). This variant has not been reported in the literature in individuals affected with ZAP70-related conditions. ClinVar contains an entry for this variant (Variation ID: 960853). Algorithms developed to predict the effect of missense changes on protein structure and function are either unavailable or do not agree on the potential impact of this missense change (SIFT: "Not Available"; PolyPhen-2: "Possibly Damaging"; Align-GVGD: "Not Available"). In summary, the available evidence is currently insufficient to determine the role of this variant in disease. Therefore, it has been classified as a Variant of Uncertain Significance.

NM_001079.4(ZAP70):c.939C>A (p.Ser313Arg)

Gene: ZAP70 (zeta chain of T cell receptor associated protein kinase 70; plus strand). Cytogenetic location: 2q11.2.
Variant type: single nucleotide variant.
Coding change: c.939C>A on transcript NM_001079.4 (MANE Select); coding-DNA position 939, C replaced by A.
Protein change: p.Ser313Arg; replaces serine 313 with arginine.
Molecular consequence: missense variant.
Genome position (GRCh38, 1-based): chr2:97,734,569, C>A. VCF-style: chr2-97734569-C-A. GRCh37 (hg19) VCF-style: chr2-98351032-C-A.
Other names: c.939C>A, p.Ser313Arg (NM_001378594.1); c.18C>A, p.Ser6Arg (NM_207519.2); short protein forms S313R, S6R.
Identifiers: ClinVar variation 960853 (VCV000960853.7), dbSNP rs145218891, ClinGen allele CA1790328.